The following is an entry in ClinVar:

NM_000256.3(MYBPC3):c.2715C>T (p.Ser905=)

Gene: MYBPC3 (myosin binding protein C3; minus strand). Cytogenetic location: 11p11.2.
Variant type: single nucleotide variant.
Coding change: c.2715C>T on transcript NM_000256.3 (MANE Select); coding-DNA position 2715, C replaced by T.
Protein change: p.Ser905=; no amino-acid change (serine 905 retained).
Molecular consequence: synonymous variant.
Genome position (GRCh38, 1-based): chr11:47,335,899, G>A on the plus strand (C>T on the coding strand, the complement: MYBPC3 is on the minus strand). VCF-style: chr11-47335899-G-A. GRCh37 (hg19) VCF-style: chr11-47357450-G-A.
Identifiers: ClinVar variation 915511 (VCV000915511.15), dbSNP rs759920601, ClinGen allele CA078918.

ClinVar aggregate classification (germline): Likely benign. Review status: criteria provided, multiple submitters, no conflicts (2 of 4 stars). 5 submissions from 5 submitters: Likely benign (5). Last evaluated 2025-07-30.

Conditions:
Cardiomyopathy (CMYO). Also called: Cardiomyopathies. Identifiers: Orphanet 167848, MedGen C0878544, MONDO:0004994, HP:0001638. Inheritance: Various modes of inheritance.
Hypertrophic cardiomyopathy. Also called: HYPERTROPHIC MYOCARDIOPATHY. Identifiers: Orphanet 217569, MedGen C0007194, MeSH D002312, MONDO:0005045, HP:0001639.

Allele frequency attached by ClinVar (database versions not stated): ExAC 0.00012.
gnomAD v4.1: 16 of 1,536,606 alleles (0.001%); highest among the groups gnomAD compares: South Asian, 0.012%; no homozygotes.

Submissions (5):

Labcorp Genetics (formerly Invitae), Labcorp
Classification: Likely benign for Hypertrophic cardiomyopathy. Last evaluated: 2025-07-30. Review status: criteria provided, single submitter. Criteria: Invitae Variant Classification Sherloc (09022015). Collection method: clinical testing. Allele origin: germline.

All of Us Research Program, National Institutes of Health
Classification: Likely benign for Hypertrophic cardiomyopathy. Last evaluated: 2023-11-28. Review status: criteria provided, single submitter. Criteria: ACMG Guidelines, 2015. Collection method: clinical testing. Allele origin: germline. Inheritance: Autosomal dominant inheritance. Observed: 2 variant alleles, 2 heterozygotes.
Comment: This study involves interpretation of variants in research participants for the purpose of population health screening. Participant phenotype was not available at the time of variant classification. Additional details can be found in publication PMID: 35346344, PMCID: PMC8962531

Blueprint Genetics
Classification: Likely benign. Last evaluated: 2022-08-25. Review status: criteria provided, single submitter. Criteria: ACMG Guidelines, 2015. Collection method: clinical testing. Allele origin: germline.

CHEO Genetics Diagnostic Laboratory, Children's Hospital of Eastern Ontario
Classification: Likely benign for Cardiomyopathy. Last evaluated: 2021-02-19. Review status: criteria provided, single submitter. Criteria: ACMG Guidelines, 2015. Collection method: clinical testing. Allele origin: germline.

Color Diagnostics, LLC DBA Color Health
Classification: Likely benign for Cardiomyopathy. Last evaluated: 2019-03-08. Review status: criteria provided, single submitter. Criteria: ACMG Guidelines, 2015. Collection method: clinical testing. Allele origin: germline.